The following is an entry in ClinVar:

ClinVar aggregate classification (germline): Benign/Likely benign. Review status: criteria provided, multiple submitters, no conflicts (2 of 4 stars). 4 submissions from 4 submitters: Benign (1); Likely benign (3). Last evaluated 2024-12-23.

Conditions:
Hereditary nonpolyposis colorectal neoplasms. Identifiers: MedGen C0009405, MeSH D003123.
Hereditary cancer-predisposing syndrome. Also called: Hereditary neoplastic syndrome; Neoplastic Syndromes, Hereditary; Tumor predisposition; Hereditary Cancer Syndrome. Identifiers: Orphanet 140162, MedGen C0027672, MeSH D009386, MONDO:0015356.
Lynch syndrome 5 (LYNCH5). Also called: Hereditary non-polyposis colorectal cancer, type 5; Colorectal cancer, hereditary nonpolyposis, type 5. Identifiers: Orphanet 144, MedGen C1833477, MONDO:0013710, OMIM 614350. Disease mechanism: loss of function.

gnomAD v4.1: 3 of 1,614,168 alleles (0.00019%); highest among the groups gnomAD compares: Non-Finnish European, 0.00025%; no homozygotes.

Submissions (4):

Myriad Genetics, Inc.
Classification: Benign for Lynch syndrome 5. Last evaluated: 2024-12-23. Review status: criteria provided, single submitter. Criteria: Myriad Autosomal Dominant, Autosomal Recessive and X-Linked Classification Criteria (2023). Collection method: clinical testing. Allele origin: unknown.
Comment: This variant is considered benign. This variant is a silent/synonymous amino acid change and it is not expected to impact splicing.

Labcorp Genetics (formerly Invitae), Labcorp
Classification: Likely benign for Hereditary nonpolyposis colorectal neoplasms. Last evaluated: 2024-05-12. Review status: criteria provided, single submitter. Criteria: Invitae Variant Classification Sherloc (09022015). Collection method: clinical testing. Allele origin: germline.

GeneDx
Classification: Likely benign. Last evaluated: 2016-10-21. Review status: criteria provided, single submitter. Criteria: GeneDx Variant Classification (06012015). Collection method: clinical testing. Allele origin: germline. Affected: yes.
Comment: This variant is considered likely benign or benign based on one or more of the following criteria: it is a conservative change, it occurs at a poorly conserved position in the protein, it is predicted to be benign by multiple in silico algorithms, and/or has population frequency not consistent with disease.

Ambry Genetics
Classification: Likely benign for Hereditary cancer-predisposing syndrome. Last evaluated: 2014-08-14. Review status: criteria provided, single submitter. Criteria: Ambry Variant Classification Scheme 2023. Collection method: clinical testing. Allele origin: germline.

NM_000179.3(MSH6):c.1188C>G (p.Leu396=)

Gene: MSH6 (mutS homolog 6; plus strand). Cytogenetic location: 2p16.3.
Variant type: single nucleotide variant.
Coding change: c.1188C>G on transcript NM_000179.3 (MANE Select); coding-DNA position 1188, C replaced by G.
Protein change: p.Leu396=; no amino-acid change (leucine 396 retained).
Molecular consequence: synonymous variant.
Genome position (GRCh38, 1-based): chr2:47,799,171, C>G. VCF-style: chr2-47799171-C-G. GRCh37 (hg19) VCF-style: chr2-48026310-C-G.
Other names: c.798C>G, p.Leu266= (NM_001281492.2); c.282C>G, p.Leu94= (NM_001281493.2, NM_001281494.2).
Identifiers: ClinVar variation 186009 (VCV000186009.12), dbSNP rs786202626, ClinGen allele CA008259.